The following is an entry in ClinVar:

NM_032436.4(CHAMP1):c.2081_2082del (p.Ile693_Ser694insTer)

Gene: CHAMP1 (chromosome alignment maintaining phosphoprotein 1; plus strand). Cytogenetic location: 13q34.
Variant type: Microsatellite.
Coding change: c.2081_2082del on transcript NM_032436.4 (MANE Select); coding-DNA positions 2081 to 2082, 2 bases deleted (CT; older notation c.2081_2082delCT).
Protein change: p.Ile693_Ser694insTer.
Molecular consequence: nonsense.
Genome position (GRCh38, 1-based): chr13:114,325,923-114,325,924, CT deleted; deleting any 2 consecutive bases within chr13:114,325,920-114,325,924 gives the same sequence; the c. name uses the placement nearest the transcript's 3' end. VCF-style (leftmost placement, unchanged base first): chr13-114325919-ATC-A. GRCh37 (hg19) VCF-style: chr13-115091394-ATC-A.
Other names: c.2081_2082del, p.Ile693_Ser694insTer (NM_001164144.3, NM_001164145.3).
Identifiers: ClinVar variation 4813317 (VCV004813317.2).

ClinVar aggregate classification (germline): Conflicting classifications of pathogenicity. Review status: criteria provided, conflicting classifications (1 of 4 stars). 2 submissions from 2 submitters: Likely pathogenic (1); Uncertain significance (1). Last evaluated 2026-03-03.

Conditions:
Neurodevelopmental disorder with hypotonia, impaired language, and dysmorphic features. Also called: Intellectual disability, autosomal dominant 40. Identifiers: Orphanet 692193, MedGen C5676894, MONDO:0014699, OMIM 616579.

Submissions (2):

Medical Genetics Laboratory, Aydin Adnan Menderes University
Classification: Likely pathogenic for Neurodevelopmental disorder with hypotonia, impaired language, and dysmorphic features. Last evaluated: 2026-03-03. Review status: criteria provided, single submitter. Criteria: ACMG Guidelines, 2015. Collection method: clinical testing. Allele origin: de novo. Inheritance: Autosomal dominant inheritance. Affected: yes. Observed: 1 variant allele, 1 heterozygote.
Comment: According to the ACMG/AMP 2015 guidelines, the variant NM_032436.4(CHAMP1):c.2081_2082del (p.Ser694)* introduces a premature termination codon predicted to result in loss of function of the CHAMP1 protein, a known disease mechanism for CHAMP1-related neurodevelopmental disorder (PVS1_Strong). The variant is absent from large population databases including gnomAD (PM2_Supporting). Based on the combination of these criteria (PVS1_Strong, PM2_Supporting, PM6_Moderate), the variant was classified as likely pathogenic.

Blueprint Genetics
Classification: Uncertain significance. Last evaluated: 2021-12-22. Review status: criteria provided, single submitter. Criteria: ACMG Guidelines, 2015. Collection method: clinical testing. Allele origin: germline.

Literature cited by the submitters: PMC PMC4564986 (cited by Medical Genetics Laboratory, Aydin Adnan Menderes University).